The following is an entry in ClinVar:

NM_000051.4(ATM):c.7381C>G (p.Arg2461Gly)

Genes: ATM (ATM serine/threonine kinase; plus strand), C11orf65 (chromosome 11 open reading frame 65; minus strand). Cytogenetic location: 11q22.3.
Variant type: single nucleotide variant.
Coding change: c.7381C>G on transcript NM_000051.4 (MANE Select); coding-DNA position 7381, C replaced by G.
Protein change: p.Arg2461Gly; replaces arginine 2461 with glycine.
Molecular consequence: missense variant. On other transcripts: intron variant (2).
Genome position (GRCh38, 1-based): chr11:108,330,287, C>G. VCF-style: chr11-108330287-C-G. GRCh37 (hg19) VCF-style: chr11-108201014-C-G.
Other names: c.7381C>G, p.Arg2461Gly (NM_001351834.2); c.641-21216G>C (NM_001330368.2); c.*38+4933G>C (NM_001351110.2); short protein forms R2461G.
Identifiers: ClinVar variation 2107696 (VCV002107696.4), dbSNP rs201314561, ClinGen allele CA382560022.
Genomic context (GRCh38, chr11:108,330,287, plus strand): 5'-GTTCAGCGAGAGCTGGAGTTGGATGAATTAGCCCTGCGTGCACTGAAAGAGGATCGTAAA[C>G]GCTTCTTATGTAAAGCAGTTGAAAATTATATCAACTGCTTATTAAGTGGAGAAGAACATG-3'
Protein context (NP_000042.3, residues 2451-2471): ALRALKEDRK[Arg2461Gly]FLCKAVENYI

ClinVar aggregate classification (germline): Uncertain significance (1 of 4 stars; one submission).

Conditions:
Ataxia-telangiectasia syndrome (AT). Also called: ATAXIA-TELANGIECTASIA, COMPLEMENTATION GROUP A; ATAXIA-TELANGIECTASIA, FRESNO VARIANT; Ataxia-telangiectasia; Ataxia-telangiectasia, complementation group E; LOUIS-BAR SYNDROME; Cerebello-oculocutaneous telangiectasia. Identifiers: Orphanet 100, MedGen C0004135, MONDO:0008840, OMIM 208900.

Submission:

Labcorp Genetics (formerly Invitae), Labcorp
Classification: Uncertain significance for Ataxia-telangiectasia syndrome. Last evaluated: 2022-03-08. Review status: criteria provided, single submitter. Criteria: Invitae Variant Classification Sherloc (09022015). Collection method: clinical testing. Allele origin: germline.
Comment: This variant has not been reported in the literature in individuals affected with ATM-related conditions. This variant is not present in population databases (gnomAD no frequency). This sequence change replaces arginine, which is basic and polar, with glycine, which is neutral and non-polar, at codon 2461 of the ATM protein (p.Arg2461Gly). Algorithms developed to predict the effect of missense changes on protein structure and function (SIFT, PolyPhen-2, Align-GVGD) all suggest that this variant is likely to be tolerated. In summary, the available evidence is currently insufficient to determine the role of this variant in disease. Therefore, it has been classified as a Variant of Uncertain Significance.